The following is an entry in ClinVar:

ClinVar aggregate classification (germline): Uncertain significance (1 of 4 stars; one submission).

Conditions:
RASopathy. Also called: rasopathies; Noonan spectrum disorder. Identifiers: Orphanet 536391, MedGen C5555857, MONDO:0021060.

Submission:

Labcorp Genetics (formerly Invitae), Labcorp
Classification: Uncertain significance for RASopathy. Last evaluated: 2022-11-16. Review status: criteria provided, single submitter. Criteria: Invitae Variant Classification Sherloc (09022015). Collection method: clinical testing. Allele origin: germline.
Comment: In summary, the available evidence is currently insufficient to determine the role of this variant in disease. Therefore, it has been classified as a Variant of Uncertain Significance. Algorithms developed to predict the effect of sequence changes on RNA splicing suggest that this variant may create or strengthen a splice site. This variant has not been reported in the literature in individuals affected with PTPN11-related conditions. This variant is not present in population databases (gnomAD no frequency). This sequence change falls in intron 7 of the PTPN11 gene. It does not directly change the encoded amino acid sequence of the PTPN11 protein.

NM_002834.5(PTPN11):c.853+7A>G

Gene: PTPN11 (protein tyrosine phosphatase non-receptor type 11; plus strand). Cytogenetic location: 12q24.13.
Variant type: single nucleotide variant.
Coding change: c.853+7A>G on transcript NM_002834.5 (MANE Select); 7 bases into the intron after coding-DNA position 853, A replaced by G.
Molecular consequence: intron variant.
Genome position (GRCh38, 1-based): chr12:112,473,047, A>G. VCF-style: chr12-112473047-A-G. GRCh37 (hg19) VCF-style: chr12-112910851-A-G.
Other names: c.853+7A>G (NM_001330437.2, NM_080601.3); c.850+7A>G (NM_001374625.1).
Identifiers: ClinVar variation 2794886 (VCV002794886.3), dbSNP rs2540445799, ClinGen allele CA2621024070.